The following is an entry in ClinVar:

ClinVar aggregate classification (germline): Likely benign. Review status: criteria provided, multiple submitters, no conflicts (2 of 4 stars). 3 submissions from 3 submitters: Likely benign (2). 1 of the submissions does not count toward it. Last evaluated 2026-05-21.

Conditions:
Inborn genetic diseases. Identifiers: MedGen C0950123, MeSH D030342.
ANKRD11-related disorder. Also called: ANKRD11-related condition.

Allele frequency attached by ClinVar (database versions not stated): TOPMed below 0.00001; ExAC 0.00003; gnomAD 0.00001.
gnomAD v4.1: 26 of 1,613,898 alleles (0.0016%); highest among the groups gnomAD compares: Admixed American, 0.0017%; no homozygotes.

Submissions (3):

Women's Health and Genetics/Laboratory Corporation of America, LabCorp
Classification: Likely benign. Last evaluated: 2026-05-21. Review status: criteria provided, single submitter. Criteria: LabCorp Variant Classification Summary - May 2015. Collection method: clinical testing. Allele origin: germline.
Comment: Variant summary: ANKRD11 c.3994G>A (p.Asp1332Asn) results in a conservative amino acid change in the encoded protein sequence. Algorithms developed to predict the effect of missense changes on protein structure and function are either unavailable or do not agree on the potential impact of this missense change. The variant allele was found at a frequency of 1.6e-05 in 1613898 control chromosomes (gnomAD v4). The observed variant frequency exceeds the estimated maximal expected allele frequency for disease-causing variants in ANKRD11. To our knowledge, no occurrence of c.3994G>A in individuals affected with ANKRD11-related conditions and no experimental evidence demonstrating its impact on protein function have been reported. ClinVar contains an entry for this variant (Variation ID: 2215144). Based on the evidence outlined above, the variant was classified as likely benign.

Ambry Genetics
Classification: Likely benign for Inborn genetic diseases. Last evaluated: 2022-07-26. Review status: criteria provided, single submitter. Criteria: Ambry Variant Classification Scheme 2023. Collection method: clinical testing. Allele origin: germline.

PreventionGenetics, part of Exact Sciences
Classification: Likely benign for ANKRD11-related condition. Last evaluated: 2023-04-24. Review status: no assertion criteria provided. Collection method: clinical testing. Allele origin: germline. Not counted in ClinVar's aggregate classification.
Comment: This variant is classified as likely benign based on ACMG/AMP sequence variant interpretation guidelines (Richards et al. 2015 PMID: 25741868, with internal and published modifications).

NM_013275.6(ANKRD11):c.3994G>A (p.Asp1332Asn)

Gene: ANKRD11 (ankyrin repeat domain 11; minus strand). Cytogenetic location: 16q24.3.
Variant type: single nucleotide variant.
Coding change: c.3994G>A on transcript NM_013275.6 (MANE Select); coding-DNA position 3994, G replaced by A.
Protein change: p.Asp1332Asn; replaces aspartic acid 1332 with asparagine.
Molecular consequence: missense variant.
Genome position (GRCh38, 1-based): chr16:89,282,548, C>T on the plus strand (G>A on the coding strand, the complement: ANKRD11 is on the minus strand). VCF-style: chr16-89282548-C-T. GRCh37 (hg19) VCF-style: chr16-89348956-C-T.
Other names: c.3994G>A, p.Asp1332Asn (NM_001256182.2, NM_001256183.2); c.3994G>A (NM_013275.5); short protein forms D1332N.
Identifiers: ClinVar variation 2215144 (VCV002215144.5), dbSNP rs780063272, ClinGen allele CA8242232.